The following is an entry in ClinVar:

ClinVar aggregate classification (germline): Likely benign (1 of 4 stars; one submission).

Allele frequency attached by ClinVar (database versions not stated): ExAC below 0.00001; gnomAD exomes below 0.00001 and 0.00001; gnomAD 0.00001; TOPMed 0.00001.
gnomAD v4.1: 10 of 1,193,705 alleles (0.00084%); highest among the groups gnomAD compares: South Asian, 0.0037%; no homozygotes.

Submission:

GeneDx
Classification: Likely benign. Last evaluated: 2018-05-30. Review status: criteria provided, single submitter. Criteria: GeneDx Variant Classification (06012015). Collection method: clinical testing. Allele origin: germline. Affected: yes.
Comment: This variant is considered likely benign or benign based on one or more of the following criteria: it is a conservative change, it occurs at a poorly conserved position in the protein, it is predicted to be benign by multiple in silico algorithms, and/or has population frequency not consistent with disease.

NM_000292.3(PHKA2):c.2556C>T (p.Thr852=)

Gene: PHKA2 (phosphorylase kinase regulatory subunit alpha 2; minus strand). Cytogenetic location: Xp22.13.
Variant type: single nucleotide variant.
Coding change: c.2556C>T on transcript NM_000292.3 (MANE Select); coding-DNA position 2556, C replaced by T.
Protein change: p.Thr852=; no amino-acid change (threonine 852 retained).
Molecular consequence: synonymous variant.
Genome position (GRCh38, 1-based): chrX:18,907,059, G>A on the plus strand (C>T on the coding strand, the complement: PHKA2 is on the minus strand). VCF-style: chrX-18907059-G-A. GRCh37 (hg19) VCF-style: chrX-18925177-G-A.
Identifiers: ClinVar variation 668331 (VCV000668331.1), dbSNP rs746198433, ClinGen allele CA10361604.